The following is an entry in ClinVar:

ClinVar aggregate classification (germline): Conflicting classifications of pathogenicity. Review status: criteria provided, conflicting classifications (1 of 4 stars). 3 submissions from 3 submitters: Uncertain significance (2); Likely benign (1). Last evaluated 2025-08-11.

Conditions:
Inborn genetic diseases. Identifiers: MedGen C0950123, MeSH D030342.
Bethlem myopathy 1A. Also called: MYOPATHY, BENIGN CONGENITAL, WITH CONTRACTURES; Bethlem Muscular Dystrophy; Bethlem myopathy 1. Identifiers: Orphanet 610, MedGen CN029274, MONDO:0024530, OMIM 158810.

Allele frequency attached by ClinVar (database versions not stated): ExAC 0.00001; gnomAD 0.00001; gnomAD exomes 0.00001 and 0.00002; TOPMed 0.00001.
gnomAD v4.1: 12 of 1,606,534 alleles (0.00075%); highest among the groups gnomAD compares: Admixed American, 0.015%; no homozygotes.

Submissions (3):

Labcorp Genetics (formerly Invitae), Labcorp
Classification: Likely benign for Bethlem myopathy 1A. Last evaluated: 2025-08-11. Review status: criteria provided, single submitter. Criteria: Invitae Variant Classification Sherloc (09022015). Collection method: clinical testing. Allele origin: germline.

Ambry Genetics
Classification: Uncertain significance for Inborn genetic diseases. Last evaluated: 2025-04-03. Review status: criteria provided, single submitter. Criteria: Ambry Variant Classification Scheme 2023. Collection method: clinical testing. Allele origin: germline.

GeneDx
Classification: Uncertain significance. Last evaluated: 2022-03-28. Review status: criteria provided, single submitter. Criteria: GeneDx Variant Classification Process June 2021. Collection method: clinical testing. Allele origin: germline. Affected: yes.
Comment: In silico analysis supports that this missense variant does not alter protein structure/function; Has not been previously published as pathogenic or benign to our knowledge

NM_001849.4(COL6A2):c.2946G>A (p.Met982Ile)

Gene: COL6A2 (collagen type VI alpha 2 chain; plus strand). Cytogenetic location: 21q22.3.
Variant type: single nucleotide variant.
Coding change: c.2946G>A on transcript NM_001849.4 (MANE Select); coding-DNA position 2946, G replaced by A.
Protein change: p.Met982Ile; replaces methionine 982 with isoleucine.
Molecular consequence: missense variant.
Genome position (GRCh38, 1-based): chr21:46,132,438, G>A. VCF-style: chr21-46132438-G-A. GRCh37 (hg19) VCF-style: chr21-47552352-G-A.
Other names: short protein forms M982I.
Identifiers: ClinVar variation 1436386 (VCV001436386.12), dbSNP rs753423696, ClinGen allele CA10073108.